The following is an entry in ClinVar:

NM_004415.4(DSP):c.2466G>C (p.Lys822Asn)

Gene: DSP (desmoplakin; plus strand). Cytogenetic location: 6p24.3.
Variant type: single nucleotide variant.
Coding change: c.2466G>C on transcript NM_004415.4 (MANE Select); coding-DNA position 2466, G replaced by C.
Protein change: p.Lys822Asn; replaces lysine 822 with asparagine.
Molecular consequence: missense variant.
Genome position (GRCh38, 1-based): chr6:7,575,324, G>C. VCF-style: chr6-7575324-G-C. GRCh37 (hg19) VCF-style: chr6-7575557-G-C.
Other names: c.2466G>C, p.Lys822Asn (NM_001008844.3, NM_001319034.2); short protein forms K822N.
Identifiers: ClinVar variation 3386645 (VCV003386645.1).
Genomic context (GRCh38, chr6:7,575,324, plus strand): 5'-ATTTGCAATCTTTTTTTTTTTCATCTTGCAGAAAATAAAAAATGACTTGAACTTGAAGAA[G>C]TCGTTGTTGGCCACTATGAAGACAGAACTACAGAAAGCCCAGCAGATCCACTCTCAGACT-3'
Protein context (NP_004406.2, residues 812-832): KKIKNDLNLK[Lys822Asn]SLLATMKTEL

ClinVar aggregate classification (germline): Uncertain significance (1 of 4 stars; one submission).

Conditions:
Arrhythmogenic cardiomyopathy with wooly hair and keratoderma. Also called: Carvajal syndrome; PALMOPLANTAR KERATODERMA WITH LEFT VENTRICULAR CARDIOMYOPATHY AND WOOLLY HAIR; Dilated cardiomyopathy with woolly hair and keratoderma; Arrhythmogenic cardiomyopathy with woolly hair and keratoderma. Identifiers: Orphanet 65282, MedGen C1854063, MONDO:0011581, OMIM 605676.

gnomAD v4.1: 2 of 1,613,578 alleles (0.00012%); highest among the groups gnomAD compares: Non-Finnish European, 0.00017%; no homozygotes.

Submission:

All of Us Research Program, National Institutes of Health
Classification: Uncertain significance for Arrhythmogenic cardiomyopathy with wooly hair and keratoderma. Last evaluated: 2024-05-14. Review status: criteria provided, single submitter. Criteria: ACMG Guidelines, 2015. Collection method: clinical testing. Allele origin: germline. Inheritance: Autosomal dominant inheritance. Observed: 1 variant allele, 1 heterozygote.
Comment: This missense variant replaces lysine with asparagine at codon 822 of the DSP protein. Computational prediction suggests that this variant may not impact protein structure and function (internally defined REVEL score threshold <= 0.5, PMID: 27666373). To our knowledge, functional studies have not been reported for this variant. This variant has not been reported in individuals affected with DSP-related disorders in the literature. This variant has not been identified in the general population by the Genome Aggregation Database (gnomAD). The available evidence is insufficient to determine the role of this variant in disease conclusively. Therefore, this variant is classified as a Variant of Uncertain Significance.

This study involves interpretation of variants in research participants for the purpose of population health screening. Participant phenotype was not available at the time of variant classification. Additional details can be found in publication PMID: 35346344, PMCID: PMC8962531